The following is an entry in ClinVar:

NM_198859.4(PRICKLE2):c.2009G>A (p.Arg670Gln)

Genes: PRICKLE2 (prickle planar cell polarity protein 2; minus strand), PRICKLE2-AS1 (PRICKLE2 antisense RNA 1; plus strand). Cytogenetic location: 3p14.1.
Variant type: single nucleotide variant.
Coding change: c.2009G>A on transcript NM_198859.4 (MANE Select); coding-DNA position 2009, G replaced by A.
Protein change: p.Arg670Gln; replaces arginine 670 with glutamine.
Molecular consequence: missense variant. On other transcripts: non-coding transcript variant (1).
Genome position (GRCh38, 1-based): chr3:64,099,577, C>T on the plus strand (G>A on the coding strand, the complement: PRICKLE2 is on the minus strand). VCF-style: chr3-64099577-C-T. GRCh37 (hg19) VCF-style: chr3-64085253-C-T.
Other names: c.2009G>A, p.Arg670Gln (NM_001370528.1); short protein forms R670Q.
Identifiers: ClinVar variation 3606935 (VCV003606935.2).

ClinVar aggregate classification (germline): Uncertain significance (1 of 4 stars; one submission).

Conditions:
Progressive myoclonic epilepsy type 5. Identifiers: Orphanet 402082, MedGen C5190799.

gnomAD v4.1: 29 of 1,613,290 alleles (0.0018%); highest among the groups gnomAD compares: Non-Finnish European, 0.0022%; no homozygotes.

Submission:

Labcorp Genetics (formerly Invitae), Labcorp
Classification: Uncertain significance for Progressive myoclonic epilepsy type 5. Last evaluated: 2024-06-26. Review status: criteria provided, single submitter. Criteria: Invitae Variant Classification Sherloc (09022015). Collection method: clinical testing. Allele origin: germline.
Comment: This sequence change replaces arginine, which is basic and polar, with glutamine, which is neutral and polar, at codon 670 of the PRICKLE2 protein (p.Arg670Gln). This variant is present in population databases (rs747542060, gnomAD 0.004%). This variant has not been reported in the literature in individuals affected with PRICKLE2-related conditions. Advanced modeling of protein sequence and biophysical properties (such as structural, functional, and spatial information, amino acid conservation, physicochemical variation, residue mobility, and thermodynamic stability) performed at Invitae indicates that this missense variant is not expected to disrupt PRICKLE2 protein function with a negative predictive value of 80%. In summary, the available evidence is currently insufficient to determine the role of this variant in disease. Therefore, it has been classified as a Variant of Uncertain Significance.